The following is an entry in ClinVar:

ClinVar aggregate classification (germline): Likely benign. Review status: criteria provided, multiple submitters, no conflicts (2 of 4 stars). 3 submissions from 3 submitters: Likely benign (3). Last evaluated 2025-12-23.

Conditions:
Cortical dysplasia-focal epilepsy syndrome (PTHSL1). Also called: Pitt-Hopkins-like syndrome 1. Identifiers: Orphanet 163681, Orphanet 221150, MedGen C2750246, MONDO:0012400, OMIM 610042.

Allele frequency attached by ClinVar (database versions not stated): ExAC 0.00001; gnomAD 0.00002; gnomAD exomes 0.00002; TOPMed 0.00002.
gnomAD v4.1: 37 of 1,613,944 alleles (0.0023%); highest among the groups gnomAD compares: Non-Finnish European, 0.0031%; no homozygotes.

Submissions (3):

Labcorp Genetics (formerly Invitae), Labcorp
Classification: Likely benign for Cortical dysplasia-focal epilepsy syndrome. Last evaluated: 2025-12-23. Review status: criteria provided, single submitter. Criteria: Invitae Variant Classification Sherloc (09022015). Collection method: clinical testing. Allele origin: germline.

CeGaT Center for Human Genetics Tuebingen
Classification: Likely benign. Last evaluated: 2023-04-01. Review status: criteria provided, single submitter. Criteria: CeGaT Center For Human Genetics Tuebingen Variant Classification Criteria Version 2. Collection method: clinical testing. Allele origin: germline. Affected: yes. Observed: 1 variant allele.
Comment: CNTNAP2: BP4, BP7

GeneDx
Classification: Likely benign. Last evaluated: 2016-06-10. Review status: criteria provided, single submitter. Criteria: GeneDx Variant Classification (06012015). Collection method: clinical testing. Allele origin: germline. Affected: yes.
Comment: This variant is considered likely benign or benign based on one or more of the following criteria: it is a conservative change, it occurs at a poorly conserved position in the protein, it is predicted to be benign by multiple in silico algorithms, and/or has population frequency not consistent with disease.

NM_014141.6(CNTNAP2):c.2883C>T (p.Ser961=)

Genes: CNTNAP2 (contactin associated protein 2; plus strand), LOC126860216 (BRD4-independent group 4 enhancer GRCh37_chr7:147868766-147869965; plus strand). Cytogenetic location: 7q35.
Variant type: single nucleotide variant.
Coding change: c.2883C>T on transcript NM_014141.6 (MANE Select); coding-DNA position 2883, C replaced by T.
Protein change: p.Ser961=; no amino-acid change (serine 961 retained).
Molecular consequence: synonymous variant.
Genome position (GRCh38, 1-based): chr7:148,172,351, C>T. VCF-style: chr7-148172351-C-T. GRCh37 (hg19) VCF-style: chr7-147869443-C-T.
Identifiers: ClinVar variation 377710 (VCV000377710.33), dbSNP rs549742316, ClinGen allele CA4546497.